The following is an entry in ClinVar:

ClinVar aggregate classification (germline): Uncertain significance (1 of 4 stars; one submission).

Allele frequency attached by ClinVar (database versions not stated): gnomAD 0.00001; gnomAD exomes 0.00001.

Submission:

Labcorp Genetics (formerly Invitae), Labcorp
Classification: Uncertain significance. Last evaluated: 2022-01-06. Review status: criteria provided, single submitter. Criteria: Invitae Variant Classification Sherloc (09022015). Collection method: clinical testing. Allele origin: germline.
Comment: This sequence change replaces glycine, which is neutral and non-polar, with serine, which is neutral and polar, at codon 53 of the CFD protein (p.Gly53Ser). The frequency data for this variant in the population databases is considered unreliable, as metrics indicate poor data quality at this position in the gnomAD database. In summary, the available evidence is currently insufficient to determine the role of this variant in disease. Therefore, it has been classified as a Variant of Uncertain Significance. Algorithms developed to predict the effect of missense changes on protein structure and function are either unavailable or do not agree on the potential impact of this missense change (SIFT: "Not Available"; PolyPhen-2: "Probably Damaging"; Align-GVGD: "Not Available"). This variant has not been reported in the literature in individuals affected with CFD-related conditions.

NM_001928.4(CFD):c.157G>A (p.Gly53Ser)

Gene: CFD (complement factor D; plus strand). Cytogenetic location: 19p13.3.
Variant type: single nucleotide variant.
Coding change: c.157G>A on transcript NM_001928.4 (MANE Select); coding-DNA position 157, G replaced by A.
Protein change: p.Gly53Ser; replaces glycine 53 with serine.
Molecular consequence: missense variant.
Genome position (GRCh38, 1-based): chr19:860,718, G>A. VCF-style: chr19-860718-G-A. GRCh37 (hg19) VCF-style: chr19-860718-G-A.
Other names: c.178G>A, p.Gly60Ser (NM_001317335.2); short protein forms G53S, G60S.
Identifiers: ClinVar variation 1348313 (VCV001348313.8), dbSNP rs1406757299, ClinGen allele CA402920719.